The following is an entry in ClinVar:

NM_000038.6(APC):c.4807C>T (p.Pro1603Ser)

Gene: APC (APC regulator of Wnt signaling pathway; plus strand). Cytogenetic location: 5q22.2.
Variant type: single nucleotide variant.
Coding change: c.4807C>T on transcript NM_000038.6 (MANE Select); coding-DNA position 4807, C replaced by T.
Protein change: p.Pro1603Ser; replaces proline 1603 with serine.
Molecular consequence: missense variant.
Genome position (GRCh38, 1-based): chr5:112,840,401, C>T. VCF-style: chr5-112840401-C-T. GRCh37 (hg19) VCF-style: chr5-112176098-C-T.
Other names: c.4807C>T, p.Pro1603Ser (NM_001127510.3, NM_001354895.2); c.4753C>T, p.Pro1585Ser (NM_001127511.3); c.4861C>T, p.Pro1621Ser (NM_001354896.2); c.4837C>T, p.Pro1613Ser (NM_001354897.2); c.4732C>T, p.Pro1578Ser (NM_001354898.2); c.4723C>T, p.Pro1575Ser (NM_001354899.2); c.4684C>T, p.Pro1562Ser (NM_001354900.2); c.4630C>T, p.Pro1544Ser (NM_001354901.2); and 5 more; short protein forms P1575S, P1613S, P1320S, P1562S, P1443S, P1477S, P1502S, P1544S.
Identifiers: ClinVar variation 959295 (VCV000959295.11), dbSNP rs1765770918, ClinGen allele CA16031867.

ClinVar aggregate classification (germline): Uncertain significance (1 of 4 stars; one submission).

Conditions:
Familial adenomatous polyposis 1 (FAP1). Also called: POLYPOSIS, ADENOMATOUS INTESTINAL; FAMILIAL ADENOMATOUS POLYPOSIS 1, ATTENUATED. Identifiers: MedGen C2713442, MONDO:0021056, OMIM 175100. Disease mechanism: loss of function.

Submission:

Labcorp Genetics (formerly Invitae), Labcorp
Classification: Uncertain significance for Familial adenomatous polyposis 1. Last evaluated: 2019-10-24. Review status: criteria provided, single submitter. Criteria: Invitae Variant Classification Sherloc (09022015). Collection method: clinical testing. Allele origin: germline.
Comment: This sequence change replaces proline with serine at codon 1603 of the APC protein (p.Pro1603Ser). The proline residue is highly conserved and there is a moderate physicochemical difference between proline and serine. This variant is not present in population databases (ExAC no frequency). This variant has not been reported in the literature in individuals with APC-related conditions. Algorithms developed to predict the effect of missense changes on protein structure and function are either unavailable or do not agree on the potential impact of this missense change (SIFT: "Tolerated"; PolyPhen-2: "Probably Damaging"; Align-GVGD: "Class C0"). In summary, the available evidence is currently insufficient to determine the role of this variant in disease. Therefore, it has been classified as a Variant of Uncertain Significance.